The following is an entry in ClinVar:

NM_000264.5(PTCH1):c.1432G>A (p.Ala478Thr)

Gene: PTCH1 (patched 1; minus strand). Cytogenetic location: 9q22.32.
Variant type: single nucleotide variant.
Coding change: c.1432G>A on transcript NM_000264.5 (MANE Select); coding-DNA position 1432, G replaced by A.
Protein change: p.Ala478Thr; replaces alanine 478 with threonine.
Molecular consequence: missense variant. On other transcripts: non-coding transcript variant (1), intron variant (1).
Genome position (GRCh38, 1-based): chr9:95,477,618, C>T on the plus strand (G>A on the coding strand, the complement: PTCH1 is on the minus strand). VCF-style: chr9-95477618-C-T. GRCh37 (hg19) VCF-style: chr9-98239900-C-T.
Other names: c.1234G>A, p.Ala412Thr (NM_001083602.3); c.1429G>A, p.Ala477Thr (NM_001083603.3); c.979G>A, p.Ala327Thr (NM_001083604.3, NM_001083605.3, NM_001083606.3 and 1 more transcripts); c.1347+437G>A (NM_001354918.2); short protein forms A327T, A412T, A477T, A478T.
Identifiers: ClinVar variation 4862711 (VCV004862711.1).
Genomic context (GRCh38, chr9:95,477,618, plus strand): 5'-CAGCGTTAAAGGAAATTCCGATCAATGAGCACAGGCCCAGTCCTGCAGCCACTGACAGTG[C>T]AACCAGCAGGACGCCAGCCAGCCCCACGGCACCCTGGGACTTGGAGCAGTCCCAGCGCAG-3'
Protein context (NP_000255.2, residues 468-488): AVGLAGVLLV[Ala478Thr]LSVAAGLGLC

ClinVar aggregate classification (germline): Uncertain significance (1 of 4 stars; one submission).

Conditions:
Hereditary cancer-predisposing syndrome. Also called: Neoplastic Syndromes, Hereditary; Tumor predisposition; Hereditary Cancer Syndrome; Hereditary neoplastic syndrome. Identifiers: Orphanet 140162, MedGen C0027672, MeSH D009386, MONDO:0015356.

Submission:

Ambry Genetics
Classification: Uncertain significance for Hereditary cancer-predisposing syndrome. Last evaluated: 2026-06-02. Review status: criteria provided, single submitter. Criteria: Ambry Variant Classification Scheme 2023. Collection method: clinical testing. Allele origin: germline.
Comment: The p.A478T variant (also known as c.1432G>A), located in coding exon 10 of the PTCH1 gene, results from a G to A substitution at nucleotide position 1432. The alanine at codon 478 is replaced by threonine, an amino acid with similar properties. This amino acid position is conserved. In addition, the in silico prediction for this alteration is inconclusive. Based on the available evidence, the clinical significance of this variant remains unclear.